The following is an entry in ClinVar:

ClinVar aggregate classification (germline): Benign. Review status: criteria provided, single submitter (1 of 4 stars). 2 submissions from 2 submitters: Benign (1). 1 of the submissions does not count toward it. Last evaluated 2025-12-30.

Conditions:
NSDHL-related disorder. Also called: NSDHL-Related Disorders; NSDHL-related condition. Identifiers: MedGen CN381535.

Allele frequency attached by ClinVar (database versions not stated): gnomAD exomes 0.00002 and 0.00010; ExAC 0.00015; TOPMed 0.00023; gnomAD 0.00024 and 0.00025; ESP Exome Variant Server 0.00028; 1000 Genomes Project 30x 0.00062; 1000 Genomes Project 0.00079.
gnomAD v4.1: 52 of 1,209,420 alleles (0.0043%); highest among the groups gnomAD compares: African/African-American, 0.073%; no homozygotes.

Submissions (2):

Labcorp Genetics (formerly Invitae), Labcorp
Classification: Benign. Last evaluated: 2025-12-30. Review status: criteria provided, single submitter. Criteria: Invitae Variant Classification Sherloc (09022015). Collection method: clinical testing. Allele origin: germline.

PreventionGenetics, part of Exact Sciences
Classification: Likely benign for NSDHL-related condition. Last evaluated: 2023-07-05. Review status: no assertion criteria provided. Collection method: clinical testing. Allele origin: germline. Not counted in ClinVar's aggregate classification.
Comment: This variant is classified as likely benign based on ACMG/AMP sequence variant interpretation guidelines (Richards et al. 2015 PMID: 25741868, with internal and published modifications).

NM_015922.3(NSDHL):c.283C>G (p.Leu95Val)

Gene: NSDHL (NAD(P) dependent 3-beta-hydroxysteroid dehydrogenase NSDHL; plus strand). Cytogenetic location: Xq28.
Variant type: single nucleotide variant.
Coding change: c.283C>G on transcript NM_015922.3 (MANE Select); coding-DNA position 283, C replaced by G.
Protein change: p.Leu95Val; replaces leucine 95 with valine.
Molecular consequence: missense variant.
Genome position (GRCh38, 1-based): chrX:152,858,785, C>G. VCF-style: chrX-152858785-C-G. GRCh37 (hg19) VCF-style: chrX-152027329-C-G.
Other names: c.283C>G, p.Leu95Val (NM_001129765.2); short protein forms L95V.
Identifiers: ClinVar variation 772899 (VCV000772899.11), dbSNP rs138562213, ClinGen allele CA10544744.